The following is an entry in ClinVar:

ClinVar aggregate classification (germline): Uncertain significance. Review status: criteria provided, multiple submitters, no conflicts (2 of 4 stars). 2 submissions from 2 submitters: Uncertain significance (2). Last evaluated 2025-06-15.

Conditions:
Hereditary cancer-predisposing syndrome. Also called: Neoplastic Syndromes, Hereditary; Hereditary Cancer Syndrome; Tumor predisposition; Hereditary neoplastic syndrome. Identifiers: Orphanet 140162, MedGen C0027672, MeSH D009386, MONDO:0015356.
Tuberous sclerosis 2 (TSC2). Identifiers: Orphanet 805, MedGen C1860707, MONDO:0013199, OMIM 613254.

Allele frequency attached by ClinVar (database versions not stated): gnomAD exomes below 0.00001.
gnomAD v4.1: 3 of 1,614,170 alleles (0.00019%); highest among the groups gnomAD compares: Non-Finnish European, 0.00025%; no homozygotes.

Submissions (2):

Labcorp Genetics (formerly Invitae), Labcorp
Classification: Uncertain significance for Tuberous sclerosis 2. Last evaluated: 2025-06-15. Review status: criteria provided, single submitter. Criteria: Invitae Variant Classification Sherloc (09022015). Collection method: clinical testing. Allele origin: germline.
Comment: This sequence change replaces serine, which is neutral and polar, with phenylalanine, which is neutral and non-polar, at codon 726 of the TSC2 protein (p.Ser726Phe). This variant is not present in population databases (gnomAD no frequency). This variant has not been reported in the literature in individuals affected with TSC2-related conditions. ClinVar contains an entry for this variant (Variation ID: 1037381). Invitae Evidence Modeling of protein sequence and biophysical properties (such as structural, functional, and spatial information, amino acid conservation, physicochemical variation, residue mobility, and thermodynamic stability) indicates that this missense variant is not expected to disrupt TSC2 protein function with a negative predictive value of 95%. In summary, the available evidence is currently insufficient to determine the role of this variant in disease. Therefore, it has been classified as a Variant of Uncertain Significance.

Ambry Genetics
Classification: Uncertain significance for Hereditary cancer-predisposing syndrome. Last evaluated: 2025-05-15. Review status: criteria provided, single submitter. Criteria: Ambry Variant Classification Scheme 2023. Collection method: clinical testing. Allele origin: germline.
Comment: The p.S726F variant (also known as c.2177C>T), located in coding exon 19 of the TSC2 gene, results from a C to T substitution at nucleotide position 2177. The serine at codon 726 is replaced by phenylalanine, an amino acid with highly dissimilar properties. This amino acid position is conserved. In addition, this alteration is predicted to be deleterious by in silico analysis. Based on the available evidence, the clinical significance of this variant remains unclear.

NM_000548.5(TSC2):c.2177C>T (p.Ser726Phe)

Gene: TSC2 (TSC complex subunit 2; plus strand). Cytogenetic location: 16p13.3.
Variant type: single nucleotide variant.
Coding change: c.2177C>T on transcript NM_000548.5 (MANE Select); coding-DNA position 2177, C replaced by T.
Protein change: p.Ser726Phe; replaces serine 726 with phenylalanine.
Molecular consequence: missense variant.
Genome position (GRCh38, 1-based): chr16:2,072,320, C>T. VCF-style: chr16-2072320-C-T. GRCh37 (hg19) VCF-style: chr16-2122321-C-T.
Other names: c.2177C>T (NM_000548.3); c.2177C>T, p.Ser726Phe (NM_001077183.3, NM_001114382.3, NM_001363528.2 and 3 more transcripts); c.2066C>T, p.Ser689Phe (NM_001318827.2); c.2030C>T, p.Ser677Phe (NM_001318829.2); c.1577C>T, p.Ser526Phe (NM_001318831.2); c.2210C>T, p.Ser737Phe (NM_001318832.2); short protein forms S689F, S526F, S726F, S737F, S677F.
Identifiers: ClinVar variation 1037381 (VCV001037381.10), dbSNP rs2088578578, ClinGen allele CA394274941.